The following is an entry in ClinVar:

ClinVar aggregate classification (germline): Uncertain significance (1 of 4 stars; one submission).

Conditions:
Familial sleep-related hypermotor epilepsy. Also called: Autosomal Dominant Sleep-Related Hypermotor (Hyperkinetic) Epilepsy. Identifiers: Orphanet 98784, MedGen C3696898, MONDO:0000030.

Allele frequency attached by ClinVar (database versions not stated): TOPMed 0.00001; gnomAD 0.00001; 1000 Genomes Project 30x 0.00016.

Submission:

Labcorp Genetics (formerly Invitae), Labcorp
Classification: Uncertain significance. Last evaluated: 2025-04-09. Review status: criteria provided, single submitter. Criteria: Invitae Variant Classification Sherloc (09022015). Collection method: clinical testing. Allele origin: germline.
Comment: This sequence change replaces glutamine, which is neutral and polar, with proline, which is neutral and non-polar, at codon 397 of the CHRNB2 protein (p.Gln397Pro). This variant is present in population databases (rs200441832, gnomAD no frequency). This variant has not been reported in the literature in individuals affected with CHRNB2-related conditions. ClinVar contains an entry for this variant (Variation ID: 2202841). Invitae Evidence Modeling of protein sequence and biophysical properties (such as structural, functional, and spatial information, amino acid conservation, physicochemical variation, residue mobility, and thermodynamic stability) indicates that this missense variant is not expected to disrupt CHRNB2 protein function with a negative predictive value of 95%. In summary, the available evidence is currently insufficient to determine the role of this variant in disease. Therefore, it has been classified as a Variant of Uncertain Significance.

NM_000748.3(CHRNB2):c.1190A>C (p.Gln397Pro)

Gene: CHRNB2 (cholinergic receptor nicotinic beta 2 subunit; plus strand). Cytogenetic location: 1q21.3.
Variant type: single nucleotide variant.
Coding change: c.1190A>C on transcript NM_000748.3 (MANE Select); coding-DNA position 1190, A replaced by C.
Protein change: p.Gln397Pro; replaces glutamine 397 with proline.
Molecular consequence: missense variant.
Genome position (GRCh38, 1-based): chr1:154,572,013, A>C. VCF-style: chr1-154572013-A-C. GRCh37 (hg19) VCF-style: chr1-154544489-A-C.
Other names: short protein forms Q397P.
Identifiers: ClinVar variation 2202841 (VCV002202841.4), dbSNP rs200441832, ClinGen allele CA30835069.
Genomic context (GRCh38, chr1:154,572,013, plus strand): 5'-TCTTCCGCGAAGCCCCAGGGGCCGACTCCTGCACGTGCTTCGTCAACCGCGCGTCGGTGC[A>C]GGGGTTGGCCGGGGCCTTCGGGGCTGAGCCTGCACCAGTGGCGGGCCCCGGGCGCTCAGG-3'
Protein context (NP_000739.1, residues 387-407): CTCFVNRASV[Gln397Pro]GLAGAFGAEP